The following is an entry in ClinVar:

NM_000540.3(RYR1):c.5879C>T (p.Ala1960Val)

Gene: RYR1 (ryanodine receptor 1; plus strand). Cytogenetic location: 19q13.2.
Variant type: single nucleotide variant.
Coding change: c.5879C>T on transcript NM_000540.3 (MANE Select); coding-DNA position 5879, C replaced by T.
Protein change: p.Ala1960Val; replaces alanine 1960 with valine.
Molecular consequence: missense variant.
Genome position (GRCh38, 1-based): chr19:38,490,140, C>T. VCF-style: chr19-38490140-C-T. GRCh37 (hg19) VCF-style: chr19-38980780-C-T.
Other names: c.5879C>T, p.Ala1960Val (NM_001042723.2); short protein forms A1960V.
Identifiers: ClinVar variation 3071311 (VCV003071311.3), dbSNP rs1335124006, ClinGen allele CA405660406.

ClinVar aggregate classification (germline): Uncertain significance. Review status: criteria provided, multiple submitters, no conflicts (2 of 4 stars). 2 submissions from 2 submitters: Uncertain significance (2). Last evaluated 2024-05-08.

Conditions:
RYR1-related disorder. Also called: RYR1-related condition; RYR1-related disorders. Identifiers: MedGen CN239331.
Malignant hyperthermia, susceptibility to, 1 (MHS1). Also called: Anesthesia related hyperthermia; Malignant hyperpyrexia; Fulminating hyperpyrexia; Pharmacogenic myopathy; RYR1-Related Malignant Hyperthermia Susceptibility; Malignant hyperthermia suceptibility 1. Identifiers: Orphanet 423, MedGen C2930980, MONDO:0007783, OMIM 145600.

Submissions (2):

Labcorp Genetics (formerly Invitae), Labcorp
Classification: Uncertain significance for RYR1-related disorder. Last evaluated: 2024-05-08. Review status: criteria provided, single submitter. Criteria: Invitae Variant Classification Sherloc (09022015). Collection method: clinical testing. Allele origin: germline.
Comment: This sequence change replaces alanine, which is neutral and non-polar, with valine, which is neutral and non-polar, at codon 1960 of the RYR1 protein (p.Ala1960Val). This variant is not present in population databases (gnomAD no frequency). This variant has not been reported in the literature in individuals affected with RYR1-related conditions. Advanced modeling of protein sequence and biophysical properties (such as structural, functional, and spatial information, amino acid conservation, physicochemical variation, residue mobility, and thermodynamic stability) has been performed at Invitae for this missense variant, however the output from this modeling did not meet the statistical confidence thresholds required to predict the impact of this variant on RYR1 protein function. In summary, the available evidence is currently insufficient to determine the role of this variant in disease. Therefore, it has been classified as a Variant of Uncertain Significance.

All of Us Research Program, National Institutes of Health
Classification: Uncertain significance for Malignant hyperthermia, susceptibility to, 1. Last evaluated: 2023-05-30. Review status: criteria provided, single submitter. Criteria: ACMG Guidelines, 2015. Collection method: clinical testing. Allele origin: germline. Inheritance: Autosomal dominant inheritance. Observed: 1 variant allele, 1 heterozygote.
Comment: This missense variant replaces alanine with valine at codon 1960 of the RYR1 protein. Computational prediction is inconclusive regarding the impact of this variant on protein structure and function (internally defined REVEL score threshold 0.5 < inconclusive < 0.7, PMID: 27666373). To our knowledge, functional studies have not been reported for this variant. This variant has not been reported in individuals affected with RYR1-related disorders in the literature. This variant has not been identified in the general population by the Genome Aggregation Database (gnomAD). The available evidence is insufficient to determine the role of this variant in disease conclusively. Therefore, this variant is classified as a Variant of Uncertain Significance.

This study involves interpretation of variants in research participants for the purpose of population health screening. Participant phenotype was not available at the time of variant classification. Additional details can be found in publication PMID: 35346344, PMCID: PMC8962531